The following is an entry in ClinVar:

ClinVar aggregate classification (germline): Uncertain significance. Review status: criteria provided, multiple submitters, no conflicts (2 of 4 stars). 3 submissions from 3 submitters: Uncertain significance (3). Last evaluated 2025-11-04.

Conditions:
Endometrial carcinoma. Also called: Endometrial carcinoma, somatic. Identifiers: MedGen C0476089, MONDO:0002447, OMIM 608089, HP:0012114.
Colorectal cancer. Also called: Colorectal cancer, somatic; Malignant Colorectal Neoplasm. Identifiers: MedGen C0346629, MONDO:0005575, OMIM 114500.
Colorectal cancer, hereditary nonpolyposis, type 7. Identifiers: Orphanet 144, MedGen C1858380, MONDO:0013725, OMIM 614385.

Allele frequency attached by ClinVar (database versions not stated): gnomAD exomes below 0.00001; gnomAD 0.00001; TOPMed 0.00001.

Submissions (3):

Ambry Genetics
Classification: Uncertain significance. Last evaluated: 2025-11-04. Review status: criteria provided, single submitter. Criteria: Ambry Variant Classification Scheme 2023. Collection method: clinical testing. Allele origin: germline.
Comment: The p.D1081E variant (also known as c.3243C>G), located in coding exon 1 of the MLH3 gene, results from a C to G substitution at nucleotide position 3243. The aspartic acid at codon 1081 is replaced by glutamic acid, an amino acid with highly similar properties. This amino acid position is conserved. In addition, the in silico prediction for this alteration is inconclusive. Since supporting evidence is limited at this time, the clinical significance of this alteration remains unclear.

Labcorp Genetics (formerly Invitae), Labcorp
Classification: Uncertain significance for Colorectal cancer, hereditary nonpolyposis, type 7. Last evaluated: 2025-11-04. Review status: criteria provided, single submitter. Criteria: Invitae Variant Classification Sherloc (09022015). Collection method: clinical testing. Allele origin: germline.
Comment: This sequence change replaces aspartic acid, which is acidic and polar, with glutamic acid, which is acidic and polar, at codon 1081 of the MLH3 protein (p.Asp1081Glu). This variant is not present in population databases (gnomAD no frequency). This variant has not been reported in the literature in individuals affected with MLH3-related conditions. ClinVar contains an entry for this variant (Variation ID: 1042810). An algorithm developed to predict the effect of missense changes on protein structure and function (PolyPhen-2) suggests that this variant is likely to be disruptive. In summary, the available evidence is currently insufficient to determine the role of this variant in disease. Therefore, it has been classified as a Variant of Uncertain Significance.

Fulgent Genetics
Classification: Uncertain significance for Colorectal cancer; Endometrial carcinoma; Colorectal cancer, hereditary nonpolyposis, type 7. Last evaluated: 2024-05-04. Review status: criteria provided, single submitter. Criteria: ACMG Guidelines, 2015. Collection method: clinical testing. Allele origin: germline.

NM_001040108.2(MLH3):c.3243C>G (p.Asp1081Glu)

Gene: MLH3 (mutL homolog 3; minus strand). Cytogenetic location: 14q24.3.
Variant type: single nucleotide variant.
Coding change: c.3243C>G on transcript NM_001040108.2 (MANE Select); coding-DNA position 3243, C replaced by G.
Protein change: p.Asp1081Glu; replaces aspartic acid 1081 with glutamic acid.
Molecular consequence: missense variant.
Genome position (GRCh38, 1-based): chr14:75,046,413, G>C on the plus strand (C>G on the coding strand, the complement: MLH3 is on the minus strand). VCF-style: chr14-75046413-G-C. GRCh37 (hg19) VCF-style: chr14-75513116-G-C.
Other names: c.3243C>G, p.Asp1081Glu (NM_014381.3); short protein forms D1081E.
Identifiers: ClinVar variation 1042810 (VCV001042810.14), dbSNP rs1471595778, ClinGen allele CA390434436.
Genomic context (GRCh38, chr14:75,046,413, plus strand): 5'-GCACATGAATACTACGTACTTACCATTCTCAAGTACAACATCCACAGCCACAGTTGTCAG[G>C]TCTTTAGTACAAGCAGCCTGAATGTCCTCAGTTGGGGCAATGAATGTGCTGAGTCCAGTC-3'
Protein context (NP_001035197.1, residues 1071-1091): TEDIQAACTK[Asp1081Glu]LTTVAVDVVL